The following is an entry in ClinVar:

NM_001365951.3(KIF1B):c.4747A>G (p.Thr1583Ala)

Gene: KIF1B (kinesin family member 1B; plus strand). Cytogenetic location: 1p36.22.
Variant type: single nucleotide variant.
Coding change: c.4747A>G on transcript NM_001365951.3 (MANE Select); coding-DNA position 4747, A replaced by G.
Protein change: p.Thr1583Ala; replaces threonine 1583 with alanine.
Molecular consequence: missense variant.
Genome position (GRCh38, 1-based): chr1:10,365,643, A>G. VCF-style: chr1-10365643-A-G. GRCh37 (hg19) VCF-style: chr1-10425701-A-G.
Other names: c.4747A>G, p.Thr1583Ala (NM_001365952.1); c.4609A>G, p.Thr1537Ala (NM_015074.3); short protein forms T1537A, T1583A.
Identifiers: ClinVar variation 2563637 (VCV002563637.2), dbSNP rs1332277225, ClinGen allele CA338322534.

ClinVar aggregate classification (germline): Uncertain significance (1 of 4 stars; one submission).

Allele frequency attached by ClinVar (database versions not stated): gnomAD exomes below 0.00001; gnomAD 0.00001.
gnomAD v4.1: 2 of 1,614,188 alleles (0.00012%); highest among the groups gnomAD compares: African/African-American, 0.0013%; no homozygotes.

Submission:

Ambry Genetics
Classification: Uncertain significance. Last evaluated: 2023-05-12. Review status: criteria provided, single submitter. Criteria: Ambry Variant Classification Scheme 2023. Collection method: clinical testing. Allele origin: germline.
Comment: The p.T1537A variant (also known as c.4609A>G), located in coding exon 40 of the KIF1B gene, results from an A to G substitution at nucleotide position 4609. The threonine at codon 1537 is replaced by alanine, an amino acid with similar properties. This amino acid position is conserved. In addition, this alteration is predicted to be tolerated by in silico analysis. Since supporting evidence is limited at this time, the clinical significance of this alteration remains unclear.